The following is an entry in ClinVar:

NM_033026.6(PCLO):c.5326GAA[2] (p.Glu1778del)

Gene: PCLO (piccolo presynaptic cytomatrix protein; minus strand). Cytogenetic location: 7q21.11.
Variant type: Microsatellite.
Coding change: c.5326GAA[2] on transcript NM_033026.6 (MANE Select); two copies in a row of the 3-base unit GAA starting at c.5326; the reference has three copies in a row; one copy, 3 bases deleted.
Protein change: p.Glu1778del; deletes glutamic acid 1778.
Molecular consequence: inframe deletion.
Genome position (GRCh38, 1-based): chr7:82,955,619-82,955,621, TTC deleted on the plus strand (GAA on the coding strand, the reverse complement: PCLO is on the minus strand); deleting any 3 consecutive bases within chr7:82,955,619-82,955,627 gives the same sequence; the position shown is the placement nearest the transcript's 3' end. VCF-style (leftmost placement, unchanged base first): chr7-82955618-ATTC-A. GRCh37 (hg19) VCF-style: chr7-82584934-ATTC-A.
Other names: c.5326GAA[2], p.Glu1778del (NM_014510.3); short protein forms E1778del.
Identifiers: ClinVar variation 1488801 (VCV001488801.8), dbSNP rs1795494411, ClinGen allele CA1721471817.

ClinVar aggregate classification (germline): Uncertain significance (1 of 4 stars; one submission).

Submission:

Labcorp Genetics (formerly Invitae), Labcorp
Classification: Uncertain significance. Last evaluated: 2021-08-16. Review status: criteria provided, single submitter. Criteria: Invitae Variant Classification Sherloc (09022015). Collection method: clinical testing. Allele origin: germline.
Comment: In summary, the available evidence is currently insufficient to determine the role of this variant in disease. Therefore, it has been classified as a Variant of Uncertain Significance. Experimental studies and prediction algorithms are not available or were not evaluated, and the functional significance of this variant is currently unknown. This variant has not been reported in the literature in individuals with PCLO-related conditions. This variant, c.5332_5334del, results in the deletion of 1 amino acid(s) of the PCLO protein (p.Glu1778del), but otherwise preserves the integrity of the reading frame. This variant is not present in population databases (ExAC no frequency).